The following is an entry in ClinVar:

ClinVar aggregate classification (germline): Benign/Likely benign. Review status: criteria provided, multiple submitters, no conflicts (2 of 4 stars). 4 submissions from 4 submitters: Benign (3); Likely benign (1). Last evaluated 2025-11-17.

Allele frequency attached by ClinVar (database versions not stated): gnomAD 0.00239; ESP Exome Variant Server 0.00262; TOPMed 0.00271; 1000 Genomes Project 0.00280; 1000 Genomes Project 30x 0.00359.
gnomAD v4.1: 765 of 1,613,404 alleles (0.047%); highest among the groups gnomAD compares: African/African-American, 0.91%; 6 homozygotes.

Submissions (4):

Labcorp Genetics (formerly Invitae), Labcorp
Classification: Benign. Last evaluated: 2025-11-17. Review status: criteria provided, single submitter. Criteria: Invitae Variant Classification Sherloc (09022015). Collection method: clinical testing. Allele origin: germline.

CeGaT Center for Human Genetics Tuebingen
Classification: Likely benign. Last evaluated: 2025-09-01. Review status: criteria provided, single submitter. Criteria: CeGaT Center For Human Genetics Tuebingen Variant Classification Criteria Version 2. Collection method: clinical testing. Allele origin: germline. Affected: yes. Observed: 3 variant alleles.
Comment: SPTBN2: BP4, BP7

Athena Diagnostics
Classification: Benign. Last evaluated: 2024-12-31. Review status: criteria provided, single submitter. Criteria: Athena Diagnostics Criteria. Collection method: clinical testing. Allele origin: unknown.
Comment: The frequency of this variant in the general population is higher than would generally be expected for pathogenic variants in this gene.

Breakthrough Genomics
Classification: Benign. Review status: criteria provided, single submitter. Criteria: ACMG Guidelines, 2015. Collection method: not provided. Allele origin: germline. Inheritance: Autosomal recessive inheritance. Affected: yes.

NM_006946.4(SPTBN2):c.1068G>A (p.Pro356=)

Gene: SPTBN2 (spectrin beta, non-erythrocytic 2; minus strand). Cytogenetic location: 11q13.2.
Variant type: single nucleotide variant.
Coding change: c.1068G>A on transcript NM_006946.4 (MANE Select); coding-DNA position 1068, G replaced by A.
Protein change: p.Pro356=; no amino-acid change (proline 356 retained).
Molecular consequence: synonymous variant.
Genome position (GRCh38, 1-based): chr11:66,710,587, C>T on the plus strand (G>A on the coding strand, the complement: SPTBN2 is on the minus strand). VCF-style: chr11-66710587-C-T. GRCh37 (hg19) VCF-style: chr11-66478058-C-T.
Identifiers: ClinVar variation 448479 (VCV000448479.39), dbSNP rs150080880, ClinGen allele CA6129502.